The following is an entry in ClinVar:

NM_007194.4(CHEK2):c.157T>G (p.Ser53Ala)

Gene: CHEK2 (checkpoint kinase 2; minus strand). Cytogenetic location: 22q12.1.
Variant type: single nucleotide variant.
Coding change: c.157T>G on transcript NM_007194.4 (MANE Select); coding-DNA position 157, T replaced by G.
Protein change: p.Ser53Ala; replaces serine 53 with alanine.
Molecular consequence: missense variant.
Genome position (GRCh38, 1-based): chr22:28,734,565, A>C on the plus strand (T>G on the coding strand, the complement: CHEK2 is on the minus strand). VCF-style: chr22-28734565-A-C. GRCh37 (hg19) VCF-style: chr22-29130553-A-C.
Other names: c.157T>G, p.Ser53Ala (NM_001005735.3, NM_001349956.3, NM_145862.3); c.-621T>G (NM_001257387.3); short protein forms S53A.
Identifiers: ClinVar variation 1003619 (VCV001003619.9), dbSNP rs371657037, ClinGen allele CA411090974.

ClinVar aggregate classification (germline): Uncertain significance (1 of 4 stars; one submission).

Conditions:
Familial cancer of breast. Also called: Hereditary breast cancer; hereditary breast carcinoma; BREAST CANCER, FAMILIAL. Identifiers: Orphanet 227535, MedGen C0346153, MONDO:0016419, OMIM 114480. Disease mechanism: loss of function.

Submission:

Labcorp Genetics (formerly Invitae), Labcorp
Classification: Uncertain significance for Familial cancer of breast. Last evaluated: 2020-05-23. Review status: criteria provided, single submitter. Criteria: Invitae Variant Classification Sherloc (09022015). Collection method: clinical testing. Allele origin: germline.
Comment: In summary, the available evidence is currently insufficient to determine the role of this variant in disease. Therefore, it has been classified as a Variant of Uncertain Significance. Algorithms developed to predict the effect of missense changes on protein structure and function are either unavailable or do not agree on the potential impact of this missense change (SIFT: "Deleterious"; PolyPhen-2: "Possibly Damaging"; Align-GVGD: "Class C0"). This variant has not been reported in the literature in individuals with CHEK2-related conditions. This variant is not present in population databases (ExAC no frequency). This sequence change replaces serine with alanine at codon 53 of the CHEK2 protein (p.Ser53Ala). The serine residue is moderately conserved and there is a moderate physicochemical difference between serine and alanine.